The following is an entry in ClinVar:

NM_000465.4(BARD1):c.522T>C (p.Ser174=)

Gene: BARD1 (BRCA1 associated RING domain 1; minus strand). Cytogenetic location: 2q35.
Variant type: single nucleotide variant.
Coding change: c.522T>C on transcript NM_000465.4 (MANE Select); coding-DNA position 522, T replaced by C.
Protein change: p.Ser174=; no amino-acid change (serine 174 retained).
Molecular consequence: synonymous variant. On other transcripts: non-coding transcript variant (2), intron variant (3).
Genome position (GRCh38, 1-based): chr2:214,781,352, A>G on the plus strand (T>C on the coding strand, the complement: BARD1 is on the minus strand). VCF-style: chr2-214781352-A-G. GRCh37 (hg19) VCF-style: chr2-215646076-A-G.
Other names: c.465T>C, p.Ser155= (NM_001282543.2); c.158+28060T>C (NM_001282548.2); c.215+15709T>C (NM_001282545.2); c.364+10945T>C (NM_001282549.2); c.522T>C (NM_000465.2).
Identifiers: ClinVar variation 414109 (VCV000414109.13), dbSNP rs1060504190, ClinGen allele CA16610711.

ClinVar aggregate classification (germline): Benign/Likely benign. Review status: criteria provided, multiple submitters, no conflicts (2 of 4 stars). 3 submissions from 3 submitters: Benign (1); Likely benign (2). Last evaluated 2025-07-10.

Conditions:
Hereditary cancer-predisposing syndrome. Also called: Neoplastic Syndromes, Hereditary; Tumor predisposition; Hereditary Cancer Syndrome; Hereditary neoplastic syndrome. Identifiers: Orphanet 140162, MedGen C0027672, MeSH D009386, MONDO:0015356.
Familial cancer of breast. Also called: Hereditary breast cancer; hereditary breast carcinoma; BREAST CANCER, FAMILIAL. Identifiers: Orphanet 227535, MedGen C0346153, MONDO:0016419, OMIM 114480. Disease mechanism: loss of function.

gnomAD v4.1: 9 of 1,613,764 alleles (0.00056%); highest among the groups gnomAD compares: Non-Finnish European, 0.00076%; no homozygotes.

Submissions (3):

Ambry Genetics
Classification: Likely benign for Hereditary cancer-predisposing syndrome. Last evaluated: 2025-07-10. Review status: criteria provided, single submitter. Criteria: Ambry Variant Classification Scheme 2023. Collection method: clinical testing. Allele origin: germline.

Myriad Genetics, Inc.
Classification: Benign for Familial cancer of breast. Last evaluated: 2024-07-22. Review status: criteria provided, single submitter. Criteria: Myriad Autosomal Dominant, Autosomal Recessive and X-Linked Classification Criteria (2023). Collection method: clinical testing. Allele origin: unknown.
Comment: This variant is considered benign. This variant is a silent/synonymous amino acid change and it is not expected to impact splicing.

Labcorp Genetics (formerly Invitae), Labcorp
Classification: Likely benign for Familial cancer of breast. Last evaluated: 2024-01-02. Review status: criteria provided, single submitter. Criteria: Invitae Variant Classification Sherloc (09022015). Collection method: clinical testing. Allele origin: germline.